The following is an entry in ClinVar:

NM_001130987.2(DYSF):c.2101G>A (p.Asp701Asn)

Gene: DYSF (dysferlin; plus strand). Cytogenetic location: 2p13.2.
Variant type: single nucleotide variant.
Coding change: c.2101G>A on transcript NM_001130987.2 (MANE Select); coding-DNA position 2101, G replaced by A.
Protein change: p.Asp701Asn; replaces aspartic acid 701 with asparagine.
Molecular consequence: missense variant.
Genome position (GRCh38, 1-based): chr2:71,553,923, G>A. VCF-style: chr2-71553923-G-A. GRCh37 (hg19) VCF-style: chr2-71781053-G-A.
Other names: c.2098G>A, p.Asp700Asn (NM_001130981.2, NM_001130980.2); c.2143G>A, p.Asp715Asn (NM_001130982.2); c.2050G>A, p.Asp684Asn (NM_001130983.2, NM_001130455.2); c.2005G>A, p.Asp669Asn (NM_001130976.2, NM_001130977.2); c.2047G>A, p.Asp683Asn (NM_001130978.2, NM_003494.4); c.2140G>A, p.Asp714Asn (NM_001130979.2); c.2008G>A, p.Asp670Asn (NM_001130984.2, NM_001130986.2); c.2101G>A, p.Asp701Asn (NM_001130985.2); and 1 more; short protein forms D701N, D683N, D670N, D684N, D714N, D669N, D700N, D715N.
Identifiers: ClinVar variation 597839 (VCV000597839.9), dbSNP rs998827835, ClinGen allele CA49795936.
Genomic context (GRCh38, chr2:71,553,923, plus strand): 5'-TCCTACTGGGAGGACATCAGCCATAGAATCGAGACTCAGAACCAGCTGCTTGGGATTGCT[G>A]ACCGGCTGGTGAGTGAAAACTTGCCCAAAGCTGCACATGCCTATGCATGCACCTGCTACC-3'
Protein context (NP_001124459.1, residues 691-711): ETQNQLLGIA[Asp701Asn]RLEAGLEQVH

ClinVar aggregate classification (germline): Uncertain significance. Review status: criteria provided, multiple submitters, no conflicts (2 of 4 stars). 3 submissions from 3 submitters: Uncertain significance (3). Last evaluated 2026-01-22.

Conditions:
Neuromuscular disease caused by qualitative or quantitative defects of dysferlin. Also called: Qualitative or quantitative defects of dysferlin; Dysferlinopathy. Identifiers: Orphanet 207073, MedGen C2931687, MONDO:0016145.
Inborn genetic diseases. Identifiers: MedGen C0950123, MeSH D030342.

Allele frequency attached by ClinVar (database versions not stated): gnomAD exomes below 0.00001; TOPMed 0.00002; gnomAD 0.00003 and 0.00004.
gnomAD v4.1: 8 of 1,614,058 alleles (0.0005%); highest among the groups gnomAD compares: Admixed American, 0.0067%; no homozygotes.

Submissions (3):

Labcorp Genetics (formerly Invitae), Labcorp
Classification: Uncertain significance for Neuromuscular disease caused by qualitative or quantitative defects of dysferlin. Last evaluated: 2026-01-22. Review status: criteria provided, single submitter. Criteria: Invitae Variant Classification Sherloc (09022015). Collection method: clinical testing. Allele origin: germline.
Comment: This sequence change replaces aspartic acid, which is acidic and polar, with asparagine, which is neutral and polar, at codon 683 of the DYSF protein (p.Asp683Asn). This variant is present in population databases (no rsID available, gnomAD 0.007%). This variant has not been reported in the literature in individuals affected with DYSF-related conditions. ClinVar contains an entry for this variant (Variation ID: 597839). Invitae Evidence Modeling of protein sequence and biophysical properties (such as structural, functional, and spatial information, amino acid conservation, physicochemical variation, residue mobility, and thermodynamic stability) indicates that this missense variant is not expected to disrupt DYSF protein function with a negative predictive value of 95%. In summary, the available evidence is currently insufficient to determine the role of this variant in disease. Therefore, it has been classified as a Variant of Uncertain Significance.

Ambry Genetics
Classification: Uncertain significance for Inborn genetic diseases. Last evaluated: 2024-01-17. Review status: criteria provided, single submitter. Criteria: Ambry Variant Classification Scheme 2023. Collection method: clinical testing. Allele origin: germline.

Eurofins Ntd Llc (ga)
Classification: Uncertain significance. Last evaluated: 2018-07-03. Review status: criteria provided, single submitter. Criteria: EGL ClinVar v180209 classification definitions. Collection method: clinical testing. Allele origin: germline. Observed: 1 variant allele, 1 heterozygote.